The following is an entry in ClinVar:

NM_182914.3(SYNE2):c.12293C>A (p.Ala4098Asp)

Gene: SYNE2 (spectrin repeat containing nuclear envelope protein 2; plus strand). Cytogenetic location: 14q23.2.
Variant type: single nucleotide variant.
Coding change: c.12293C>A on transcript NM_182914.3 (MANE Select); coding-DNA position 12293, C replaced by A.
Protein change: p.Ala4098Asp; replaces alanine 4098 with aspartic acid.
Molecular consequence: missense variant.
Genome position (GRCh38, 1-based): chr14:64,098,133, C>A. VCF-style: chr14-64098133-C-A. GRCh37 (hg19) VCF-style: chr14-64564851-C-A.
Other names: c.12293C>A, p.Ala4098Asp (NM_015180.6); c.12293C>A (NM_182914.2); short protein forms A4098D.
Identifiers: ClinVar variation 1657562 (VCV001657562.22), dbSNP rs142169651, ClinGen allele CA7222057.

ClinVar aggregate classification (germline): Conflicting classifications of pathogenicity. Review status: criteria provided, conflicting classifications (1 of 4 stars). 6 submissions from 6 submitters: Uncertain significance (2); Likely benign (3). 1 of the submissions does not count toward it. Last evaluated 2025-08-14.

Conditions:
SYNE2-related disorder. Also called: SYNE2-related condition.
Emery-Dreifuss muscular dystrophy 5, autosomal dominant (EDMD5). Also called: EMERY-DREIFUSS MUSCULAR DYSTROPHY 5. Identifiers: Orphanet 261, MedGen C2751805, MONDO:0013072, OMIM 612999.

Allele frequency attached by ClinVar (database versions not stated): gnomAD exomes 0.00004 and 0.00011; ExAC 0.00016; 1000 Genomes Project 0.00040; 1000 Genomes Project 30x 0.00047; TOPMed 0.00057; gnomAD 0.00064 and 0.00070; ESP Exome Variant Server 0.00069.
gnomAD v4.1: 155 of 1,614,040 alleles (0.0096%); highest among the groups gnomAD compares: African/African-American, 0.2%; no homozygotes.

Submissions (6):

Ambry Genetics
Classification: Uncertain significance. Last evaluated: 2025-08-14. Review status: criteria provided, single submitter. Criteria: Ambry Variant Classification Scheme 2023. Collection method: clinical testing. Allele origin: germline.

Labcorp Genetics (formerly Invitae), Labcorp
Classification: Likely benign for Emery-Dreifuss muscular dystrophy 5, autosomal dominant. Last evaluated: 2025-07-29. Review status: criteria provided, single submitter. Criteria: Invitae Variant Classification Sherloc (09022015). Collection method: clinical testing. Allele origin: germline.

CeGaT Center for Human Genetics Tuebingen
Classification: Likely benign. Last evaluated: 2025-04-01. Review status: criteria provided, single submitter. Criteria: CeGaT Center For Human Genetics Tuebingen Variant Classification Criteria Version 2. Collection method: clinical testing. Allele origin: germline. Affected: yes. Observed: 1 variant allele.
Comment: SYNE2: BP4, BS2

Revvity Omics, Revvity
Classification: Uncertain significance for Emery-Dreifuss muscular dystrophy 5, autosomal dominant. Last evaluated: 2020-03-29. Review status: criteria provided, single submitter. Criteria: ACMG Guidelines, 2015. Collection method: clinical testing. Allele origin: germline.

Breakthrough Genomics
Classification: Likely benign. Review status: criteria provided, single submitter. Criteria: ACMG Guidelines, 2015. Collection method: not provided. Allele origin: germline. Inheritance: Autosomal dominant inheritance. Affected: yes.

PreventionGenetics, part of Exact Sciences
Classification: Likely benign for SYNE2-related condition. Last evaluated: 2022-07-20. Review status: no assertion criteria provided. Collection method: clinical testing. Allele origin: germline. Not counted in ClinVar's aggregate classification.
Comment: This variant is classified as likely benign based on ACMG/AMP sequence variant interpretation guidelines (Richards et al. 2015 PMID: 25741868, with internal and published modifications).